The following is an entry in ClinVar:

NM_001079802.2(FKTN):c.166-9C>T

Gene: FKTN (fukutin; plus strand). Cytogenetic location: 9q31.2.
Variant type: single nucleotide variant.
Coding change: c.166-9C>T on transcript NM_001079802.2 (MANE Select); 9 bases into the intron before coding-DNA position 166, C replaced by T.
Molecular consequence: intron variant.
Genome position (GRCh38, 1-based): chr9:105,601,136, C>T. VCF-style: chr9-105601136-C-T. GRCh37 (hg19) VCF-style: chr9-108363417-C-T.
Other names: c.166-9C>T (NM_001079802.1, NM_006731.2, NM_001351496.2 and 2 more transcripts); c.-349-9C>T (NM_001351502.2, NM_001351499.2, NM_001351500.2 and 1 more transcripts); c.97-9C>T (NM_001351497.2).
Identifiers: ClinVar variation 501832 (VCV000501832.12), dbSNP rs1361772036, ClinGen allele CA590046763.

ClinVar aggregate classification (germline): Conflicting classifications of pathogenicity. Review status: criteria provided, conflicting classifications (1 of 4 stars). 4 submissions from 4 submitters: Uncertain significance (1); Likely benign (2). 1 of the submissions does not count toward it. Last evaluated 2026-01-14.

Conditions:
FKTN-related disorder. Also called: FKTN-related condition; FKTN-related disorders.
Walker-Warburg congenital muscular dystrophy. Also called: Muscular dystrophy-dystroglycanopathy, type A; Walker-Warburg syndrome. Identifiers: Orphanet 899, MedGen C0265221, MONDO:0000171.

Allele frequency attached by ClinVar (database versions not stated): gnomAD exomes below 0.00001; TOPMed 0.00001.
gnomAD v4.1: 1 of 1,526,620 alleles (0.000066%); highest among the groups gnomAD compares: Admixed American, 0.0017%; no homozygotes.

Submissions (4):

Labcorp Genetics (formerly Invitae), Labcorp
Classification: Likely benign for Walker-Warburg congenital muscular dystrophy. Last evaluated: 2026-01-14. Review status: criteria provided, single submitter. Criteria: Invitae Variant Classification Sherloc (09022015). Collection method: clinical testing. Allele origin: germline.

Blueprint Genetics
Classification: Likely benign. Last evaluated: 2022-09-26. Review status: criteria provided, single submitter. Criteria: ACMG Guidelines, 2015. Collection method: clinical testing. Allele origin: germline.

Eurofins Ntd Llc (ga)
Classification: Uncertain significance. Last evaluated: 2017-05-04. Review status: criteria provided, single submitter. Criteria: EGL Classification Definitions 2015. Collection method: clinical testing. Allele origin: germline. Observed: 1 variant allele, 1 heterozygote.

PreventionGenetics, part of Exact Sciences
Classification: Likely benign for FKTN-related condition. Last evaluated: 2020-02-24. Review status: no assertion criteria provided. Collection method: clinical testing. Allele origin: germline. Not counted in ClinVar's aggregate classification.
Comment: This variant is classified as likely benign based on ACMG/AMP sequence variant interpretation guidelines (Richards et al. 2015 PMID: 25741868, with internal and published modifications).